The following is an entry in ClinVar:

NM_020937.4(FANCM):c.2021T>G (p.Leu674Arg)

Gene: FANCM (FA complementation group M; plus strand). Cytogenetic location: 14q21.2.
Variant type: single nucleotide variant.
Coding change: c.2021T>G on transcript NM_020937.4 (MANE Select); coding-DNA position 2021, T replaced by G.
Protein change: p.Leu674Arg; replaces leucine 674 with arginine.
Molecular consequence: missense variant.
Genome position (GRCh38, 1-based): chr14:45,170,607, T>G. VCF-style: chr14-45170607-T-G. GRCh37 (hg19) VCF-style: chr14-45639810-T-G.
Other names: c.1943T>G, p.Leu648Arg (NM_001308133.2); short protein forms L648R, L674R.
Identifiers: ClinVar variation 4619480 (VCV004619480.1).

ClinVar aggregate classification (germline): Uncertain significance (1 of 4 stars; one submission).

Conditions:
Inborn genetic diseases. Identifiers: MedGen C0950123, MeSH D030342.

Submission:

Ambry Genetics
Classification: Uncertain significance for Inborn genetic diseases. Last evaluated: 2025-10-12. Review status: criteria provided, single submitter. Criteria: Ambry Variant Classification Scheme 2023. Collection method: clinical testing. Allele origin: germline.
Comment: The p.L674R variant (also known as c.2021T>G), located in coding exon 12 of the FANCM gene, results from a T to G substitution at nucleotide position 2021. The leucine at codon 674 is replaced by arginine, an amino acid with dissimilar properties. This amino acid position is conserved. In addition, this alteration is predicted to be tolerated by in silico analysis. Based on the available evidence, the clinical significance of this variant remains unclear.